The following is an entry in ClinVar:

ClinVar aggregate classification (germline): Uncertain significance (1 of 4 stars; one submission).

Submission:

Labcorp Genetics (formerly Invitae), Labcorp
Classification: Uncertain significance. Last evaluated: 2021-05-01. Review status: criteria provided, single submitter. Criteria: Invitae Variant Classification Sherloc (09022015). Collection method: clinical testing. Allele origin: germline.
Comment: In summary, the available evidence is currently insufficient to determine the role of this variant in disease. Therefore, it has been classified as a Variant of Uncertain Significance. Algorithms developed to predict the effect of sequence changes on RNA splicing suggest that this variant may create or strengthen a splice site, but this prediction has not been confirmed by published transcriptional studies. Algorithms developed to predict the effect of missense changes on protein structure and function are either unavailable or do not agree on the potential impact of this missense change (SIFT: "Deleterious"; PolyPhen-2: "Benign"; Align-GVGD: "Class C55"). This variant has not been reported in the literature in individuals with KLC2-related conditions. This variant is not present in population databases (ExAC no frequency). This sequence change replaces threonine with serine at codon 241 of the KLC2 protein (p.Thr241Ser). The threonine residue is highly conserved and there is a small physicochemical difference between threonine and serine.

NM_001318734.2(KLC2):c.722C>G (p.Thr241Ser)

Genes: KLC2 (kinesin light chain 2; plus strand), KLC2-AS1 (KLC2 antisense RNA 1; minus strand). Cytogenetic location: 11q13.2.
Variant type: single nucleotide variant.
Coding change: c.722C>G on transcript NM_001318734.2 (MANE Select); coding-DNA position 722, C replaced by G.
Protein change: p.Thr241Ser; replaces threonine 241 with serine.
Molecular consequence: missense variant.
Genome position (GRCh38, 1-based): chr11:66,263,006, C>G. VCF-style: chr11-66263006-C-G. GRCh37 (hg19) VCF-style: chr11-66030477-C-G.
Other names: c.491C>G, p.Thr164Ser (NM_001134774.2); c.722C>G, p.Thr241Ser (NM_001134775.2, NM_001134776.2, NM_022822.3); short protein forms T241S, T164S.
Identifiers: ClinVar variation 1350603 (VCV001350603.8), dbSNP rs2134820174, ClinGen allele CA381392779.
Genomic context (GRCh38, chr11:66,263,006, plus strand): 5'-GCAAGCAGGCACTCGAAGACCTGGAGAAGACGTCAGGCCACGACCACCCTGACGTTGCCA[C>G]CATGCTGAACATCCTGGCACTGGTCTATCGGTGAGGACTCTCTGGGGGTGCCCAAATTCT-3'
Protein context (NP_001305663.1, residues 231-251): TSGHDHPDVA[Thr241Ser]MLNILALVYR